The following is an entry in ClinVar:

NM_201384.3(PLEC):c.3449G>A (p.Arg1150Gln)

Gene: PLEC (plectin; minus strand). Cytogenetic location: 8q24.3.
Variant type: single nucleotide variant.
Coding change: c.3449G>A on transcript NM_201384.3 (MANE Select); coding-DNA position 3449, G replaced by A.
Protein change: p.Arg1150Gln; replaces arginine 1150 with glutamine.
Molecular consequence: missense variant.
Genome position (GRCh38, 1-based): chr8:143,927,717, C>T on the plus strand (G>A on the coding strand, the complement: PLEC is on the minus strand). VCF-style: chr8-143927717-C-T. GRCh37 (hg19) VCF-style: chr8-145001885-C-T.
Other names: c.3530G>A (NM_000445.3, NM_000445.4); c.3530G>A, p.Arg1177Gln (NM_000445.5); c.3407G>A, p.Arg1136Gln (NM_201378.4); c.3383G>A, p.Arg1128Gln (NM_201379.3); c.3860G>A, p.Arg1287Gln (NM_201380.4); c.3353G>A, p.Arg1118Gln (NM_201381.3); c.3449G>A, p.Arg1150Gln (NM_201382.4); c.3461G>A, p.Arg1154Gln (NM_201383.3); short protein forms R1118Q, R1136Q, R1128Q, R1177Q, R1150Q, R1154Q, R1287Q.
Identifiers: ClinVar variation 282840 (VCV000282840.16), dbSNP rs782638887, ClinGen allele CA4927059.
Genomic context (GRCh38, chr8:143,927,717, plus strand): 5'-CGCTCCCCGTGCCGCTGCTGCAGTCGCTCCCCCACCTCCTGTGCCCCCCGCAGCTCATCC[C>T]GCAGGGCGTCGAACGTGGGCTGCTGTGCCTCGGCCTGGGCCCGCAGCTTCTGTTGGGGAC-3'
Protein context (NP_958786.1, residues 1140-1160): EAQQPTFDAL[Arg1150Gln]DELRGAQEVG

ClinVar aggregate classification (germline): Uncertain significance. Review status: criteria provided, multiple submitters, no conflicts (2 of 4 stars). 5 submissions from 5 submitters: Uncertain significance (4). 1 of the submissions does not count toward it. Last evaluated 2026-01-14.

Conditions:
PLEC-related disorder. Also called: PLEC-related condition; PLEC-related disorders.
Inborn genetic diseases. Identifiers: MedGen C0950123, MeSH D030342.
Epidermolysis bullosa simplex 5B, with muscular dystrophy (EBS5B). Also called: EPIDERMOLYSIS BULLOSA SIMPLEX AND LIMB-GIRDLE MUSCULAR DYSTROPHY; Epidermolysis bullosa simplex with muscular dystrophy. Identifiers: Orphanet 257, MedGen C2931072, MONDO:0009181, OMIM 226670.
Epidermolysis bullosa simplex with nail dystrophy (EBS5D). Identifiers: MedGen C4225309, MONDO:0014661, OMIM 616487.
Autosomal recessive limb-girdle muscular dystrophy type 2Q (LGMDR17). Also called: MUSCULAR DYSTROPHY, LIMB-GIRDLE, AUTOSOMAL RECESSIVE 17. Identifiers: Orphanet 254361, MedGen C3150989, MONDO:0013390, OMIM 613723.
Epidermolysis bullosa simplex 5C, with pyloric atresia (EBS5C). Also called: PLEC1-Related Epidermolysis Bullosa with Pyloric Atresia; PLEC-Related Epidermolysis Bullosa with Pyloric Atresia; Epidermolysis bullosa simplex with pyloric atresia. Identifiers: Orphanet 158684, MedGen C2677349, MONDO:0012807, OMIM 612138.
Epidermolysis bullosa simplex, Ogna type (EBS5A). Also called: Pidermolysis bullosa simplex 5A, Ogna type; EPIDERMOLYSIS BULLOSA SIMPLEX 5A, OGNA TYPE. Identifiers: Orphanet 79401, MedGen C0432317, MONDO:0007555, OMIM 131950.

Allele frequency attached by ClinVar (database versions not stated): gnomAD 0.00003; gnomAD exomes 0.00005 and 0.00010; TOPMed 0.00006; ExAC 0.00013; 1000 Genomes Project 30x 0.00016.
gnomAD v4.1: 81 of 1,590,858 alleles (0.0051%); highest among the groups gnomAD compares: Admixed American, 0.039%; no homozygotes.

Submissions (5):

Labcorp Genetics (formerly Invitae), Labcorp
Classification: Uncertain significance for Autosomal recessive limb-girdle muscular dystrophy type 2Q; Epidermolysis bullosa simplex, Ogna type; Epidermolysis bullosa simplex with nail dystrophy; Epidermolysis bullosa simplex 5C, with pyloric atresia; Epidermolysis bullosa simplex 5B, with muscular dystrophy. Last evaluated: 2026-01-14. Review status: criteria provided, single submitter. Criteria: Invitae Variant Classification Sherloc (09022015). Collection method: clinical testing. Allele origin: germline.
Comment: This sequence change replaces arginine, which is basic and polar, with glutamine, which is neutral and polar, at codon 1177 of the PLEC protein (p.Arg1177Gln). This variant is present in population databases (rs782638887, gnomAD 0.06%). This variant has not been reported in the literature in individuals affected with PLEC-related conditions. ClinVar contains an entry for this variant (Variation ID: 282840). Invitae Evidence Modeling of protein sequence and biophysical properties (such as structural, functional, and spatial information, amino acid conservation, physicochemical variation, residue mobility, and thermodynamic stability) indicates that this missense variant is not expected to disrupt PLEC protein function with a negative predictive value of 80%. In summary, the available evidence is currently insufficient to determine the role of this variant in disease. Therefore, it has been classified as a Variant of Uncertain Significance.

Ambry Genetics
Classification: Uncertain significance for Inborn genetic diseases. Last evaluated: 2022-06-09. Review status: criteria provided, single submitter. Criteria: Ambry Variant Classification Scheme 2023. Collection method: clinical testing. Allele origin: germline.

Revvity Omics, Revvity
Classification: Uncertain significance. Last evaluated: 2020-10-27. Review status: criteria provided, single submitter. Criteria: ACMG Guidelines, 2015. Collection method: clinical testing. Allele origin: germline.

Eurofins Ntd Llc (ga)
Classification: Uncertain significance. Last evaluated: 2017-10-18. Review status: criteria provided, single submitter. Criteria: EGL Classification Definitions 2015. Collection method: clinical testing. Allele origin: germline. Observed: 2 variant alleles, 2 heterozygotes.

PreventionGenetics, part of Exact Sciences
Classification: Uncertain significance for PLEC-related condition. Last evaluated: 2024-05-16. Review status: no assertion criteria provided. Collection method: clinical testing. Allele origin: germline. Not counted in ClinVar's aggregate classification.
Comment: The PLEC c.3530G>A variant is predicted to result in the amino acid substitution p.Arg1177Gln. To our knowledge, this variant has not been reported in the literature. This variant is reported in 0.054% of alleles in individuals of Latino descent in gnomAD, which is likely too common for an undocumented disease-causing variant. Although we suspect that this variant may be benign, at this time, the clinical significance of this variant is uncertain due to the absence of conclusive functional and genetic evidence.